The following is an entry in ClinVar:

ClinVar aggregate classification (germline): Uncertain significance (1 of 4 stars; one submission).

Submission:

Labcorp Genetics (formerly Invitae), Labcorp
Classification: Uncertain significance. Last evaluated: 2023-07-19. Review status: criteria provided, single submitter. Criteria: Invitae Variant Classification Sherloc (09022015). Collection method: clinical testing. Allele origin: germline.
Comment: In summary, the available evidence is currently insufficient to determine the role of this variant in disease. Therefore, it has been classified as a Variant of Uncertain Significance. Experimental studies and prediction algorithms are not available or were not evaluated, and the functional significance of this variant is currently unknown. This variant has not been reported in the literature in individuals affected with TOPORS-related conditions. This variant is not present in population databases (gnomAD no frequency). This sequence change replaces glutamine, which is neutral and polar, with leucine, which is neutral and non-polar, at codon 658 of the TOPORS protein (p.Gln658Leu).

NM_005802.5(TOPORS):c.1973A>T (p.Gln658Leu)

Gene: TOPORS (TOP1 binding arginine/serine rich protein, E3 ubiquitin ligase; minus strand). Cytogenetic location: 9p21.1.
Variant type: single nucleotide variant.
Coding change: c.1973A>T on transcript NM_005802.5 (MANE Select); coding-DNA position 1973, A replaced by T.
Protein change: p.Gln658Leu; replaces glutamine 658 with leucine.
Molecular consequence: missense variant.
Genome position (GRCh38, 1-based): chr9:32,542,552, T>A on the plus strand (A>T on the coding strand, the complement: TOPORS is on the minus strand). VCF-style: chr9-32542552-T-A. GRCh37 (hg19) VCF-style: chr9-32542550-T-A.
Other names: c.1778A>T, p.Gln593Leu (NM_001195622.2); short protein forms Q658L, Q593L.
Identifiers: ClinVar variation 2745298 (VCV002745298.3), dbSNP rs2489448703, ClinGen allele CA373167024.